The following is an entry in ClinVar:

ClinVar aggregate classification (germline): Conflicting classifications of pathogenicity. Review status: criteria provided, conflicting classifications (1 of 4 stars). 6 submissions from 6 submitters: Uncertain significance (1); Benign (1); Likely benign (4). Last evaluated 2026-02-03.

Conditions:
Hypertrophic cardiomyopathy 26. Also called: Cardiomyopathy, familial hypertrophic, 26. Identifiers: Orphanet 75249, MedGen C4310749, MONDO:0014883, OMIM 617047.
Distal myopathy with posterior leg and anterior hand involvement. Also called: WILLIAMS DISTAL MYOPATHY. Identifiers: Orphanet 63273, MedGen C3279722, MONDO:0013550, OMIM 614065.
Myofibrillar myopathy 5. Also called: Filaminopathy (type); FILAMINOPATHY, AUTOSOMAL DOMINANT. Identifiers: Orphanet 171445, MedGen C1836050, MONDO:0012289, OMIM 609524.
Cardiomyopathy (CMYO). Also called: Cardiomyopathies. Identifiers: Orphanet 167848, MedGen C0878544, MONDO:0004994, HP:0001638. Inheritance: Various modes of inheritance.

Allele frequency attached by ClinVar (database versions not stated): TOPMed 0.00009; gnomAD exomes 0.00014 and 0.00018; ESP Exome Variant Server 0.00016; gnomAD 0.00019; ExAC 0.00021.
gnomAD v4.1: 233 of 1,600,216 alleles (0.015%); highest among the groups gnomAD compares: Non-Finnish European, 0.018%; 1 homozygote.

Submissions (6):

Labcorp Genetics (formerly Invitae), Labcorp
Classification: Likely benign for Distal myopathy with posterior leg and anterior hand involvement; Myofibrillar myopathy 5; Hypertrophic cardiomyopathy 26. Last evaluated: 2026-02-03. Review status: criteria provided, single submitter. Criteria: Invitae Variant Classification Sherloc (09022015). Collection method: clinical testing. Allele origin: germline.

Molecular Diagnostic Laboratory for Inherited Cardiovascular Disease, Montreal Heart Institute
Classification: Likely benign. Last evaluated: 2025-04-09. Review status: criteria provided, single submitter. Criteria: ACMG Guidelines, 2015. Collection method: clinical testing. Allele origin: germline. Affected: no.
Comment: BP6

Blueprint Genetics
Classification: Likely benign. Last evaluated: 2024-10-25. Review status: criteria provided, single submitter. Criteria: ACMG Guidelines, 2015. Collection method: clinical testing. Allele origin: germline.

Women's Health and Genetics/Laboratory Corporation of America, LabCorp
Classification: Benign. Last evaluated: 2024-06-19. Review status: criteria provided, single submitter. Criteria: LabCorp Variant Classification Summary - May 2015. Collection method: clinical testing. Allele origin: germline.

CHEO Genetics Diagnostic Laboratory, Children's Hospital of Eastern Ontario
Classification: Uncertain significance for Cardiomyopathy. Last evaluated: 2022-07-22. Review status: criteria provided, single submitter. Criteria: ACMG Guidelines, 2015. Collection method: clinical testing. Allele origin: germline.

GeneDx
Classification: Likely benign. Last evaluated: 2017-07-20. Review status: criteria provided, single submitter. Criteria: GeneDx Variant Classification (06012015). Collection method: clinical testing. Allele origin: germline. Affected: yes.
Comment: This variant is considered likely benign or benign based on one or more of the following criteria: it is a conservative change, it occurs at a poorly conserved position in the protein, it is predicted to be benign by multiple in silico algorithms, and/or has population frequency not consistent with disease.

NM_001458.5(FLNC):c.4127+9C>T

Gene: FLNC (filamin C; plus strand). Cytogenetic location: 7q32.1.
Variant type: single nucleotide variant.
Coding change: c.4127+9C>T on transcript NM_001458.5 (MANE Select); 9 bases into the intron after coding-DNA position 4127, C replaced by T.
Molecular consequence: intron variant.
Genome position (GRCh38, 1-based): chr7:128,846,472, C>T. VCF-style: chr7-128846472-C-T. GRCh37 (hg19) VCF-style: chr7-128486526-C-T.
Other names: c.4127+9C>T (NM_001127487.2).
Identifiers: ClinVar variation 510636 (VCV000510636.17), dbSNP rs368729011, ClinGen allele CA4475242.